The following is an entry in ClinVar:

ClinVar aggregate classification (germline): Uncertain significance (1 of 4 stars; one submission).

Conditions:
Immunodeficiency 51 (IMD51). Also called: CANDIDIASIS, FAMILIAL, 5. Identifiers: Orphanet 1334, MedGen C4310803, MONDO:0013500, OMIM 613953.

Submission:

Labcorp Genetics (formerly Invitae), Labcorp
Classification: Uncertain significance for Immunodeficiency 51. Last evaluated: 2022-05-03. Review status: criteria provided, single submitter. Criteria: Invitae Variant Classification Sherloc (09022015). Collection method: clinical testing. Allele origin: germline.
Comment: This variant has not been reported in the literature in individuals affected with IL17RA-related conditions. This variant is not present in population databases (gnomAD no frequency). This sequence change replaces tyrosine, which is neutral and polar, with serine, which is neutral and polar, at codon 591 of the IL17RA protein (p.Tyr591Ser). Algorithms developed to predict the effect of missense changes on protein structure and function (SIFT, PolyPhen-2, Align-GVGD) all suggest that this variant is likely to be tolerated. In summary, the available evidence is currently insufficient to determine the role of this variant in disease. Therefore, it has been classified as a Variant of Uncertain Significance.

NM_014339.7(IL17RA):c.1772A>C (p.Tyr591Ser)

Gene: IL17RA (interleukin 17 receptor A; plus strand). Cytogenetic location: 22q11.1.
Variant type: single nucleotide variant.
Coding change: c.1772A>C on transcript NM_014339.7 (MANE Select); coding-DNA position 1772, A replaced by C.
Protein change: p.Tyr591Ser; replaces tyrosine 591 with serine.
Molecular consequence: missense variant.
Genome position (GRCh38, 1-based): chr22:17,108,991, A>C. VCF-style: chr22-17108991-A-C. GRCh37 (hg19) VCF-style: chr22-17589881-A-C.
Other names: c.1670A>C, p.Tyr557Ser (NM_001289905.2); short protein forms Y557S, Y591S.
Identifiers: ClinVar variation 2184245 (VCV002184245.5), dbSNP rs2517174487, ClinGen allele CA410218873.
Genomic context (GRCh38, chr22:17,108,991, plus strand): 5'-TGGACAGGTTCCGGGACTGGCAGGTCCGCTGTCCCGACTGGTTCGAATGTGAGAACCTCT[A>C]CTCAGCAGATGACCAGGATGCCCCGTCCCTGGACGAAGAGGTGTTTGAGGAGCCACTGCT-3'
Protein context (NP_055154.3, residues 581-601): CPDWFECENL[Tyr591Ser]SADDQDAPSL